The following is an entry in ClinVar:

NM_015374.3(SUN2):c.29G>A (p.Arg10His)

Gene: SUN2 (Sad1 and UNC84 domain containing 2; minus strand). Cytogenetic location: 22q13.1.
Variant type: single nucleotide variant.
Coding change: c.29G>A on transcript NM_015374.3 (MANE Select); coding-DNA position 29, G replaced by A.
Protein change: p.Arg10His; replaces arginine 10 with histidine.
Molecular consequence: missense variant.
Genome position (GRCh38, 1-based): chr22:38,752,600, C>T on the plus strand (G>A on the coding strand, the complement: SUN2 is on the minus strand). VCF-style: chr22-38752600-C-T. GRCh37 (hg19) VCF-style: chr22-39148605-C-T.
Other names: p.Arg10His; c.29G>A (NM_015374.2); c.29G>A, p.Arg10His (NM_001199579.2, NM_001199580.2, NM_001394427.1 and 18 more transcripts); short protein forms R10H.
Identifiers: ClinVar variation 3668362 (VCV003668362.4).

ClinVar aggregate classification (germline): Conflicting classifications of pathogenicity. Review status: criteria provided, conflicting classifications (1 of 4 stars). 3 submissions from 3 submitters: Uncertain significance (2); Likely benign (1). Last evaluated 2025-05-25.

Conditions:
Emery-Dreifuss muscular dystrophy (EDMD). Also called: Scapuloperoneal syndrome, X-linked (formerly); Humeroperoneal neuromuscular disease, (formerly). Identifiers: Orphanet 261, MedGen C0410189, MONDO:0016830.

gnomAD v4.1: 72 of 1,613,824 alleles (0.0045%); highest among the groups gnomAD compares: African/African-American, 0.008%; no homozygotes.

Submissions (3):

Ambry Genetics
Classification: Uncertain significance. Last evaluated: 2025-05-25. Review status: criteria provided, single submitter. Criteria: Ambry Variant Classification Scheme 2023. Collection method: clinical testing. Allele origin: germline.

Mayo Clinic Laboratories, Mayo Clinic
Classification: Likely benign. Last evaluated: 2025-02-24. Review status: criteria provided, single submitter. Criteria: ACMG Guidelines, 2015. Collection method: clinical testing. Allele origin: germline. Observed: 1 variant allele.

Labcorp Genetics (formerly Invitae), Labcorp
Classification: Uncertain significance for Emery-Dreifuss muscular dystrophy. Last evaluated: 2024-03-12. Review status: criteria provided, single submitter. Criteria: Invitae Variant Classification Sherloc (09022015). Collection method: clinical testing. Allele origin: germline.
Comment: This sequence change replaces arginine, which is basic and polar, with histidine, which is basic and polar, at codon 10 of the SUN2 protein (p.Arg10His). This variant is present in population databases (rs775673499, gnomAD 0.02%). This variant has not been reported in the literature in individuals affected with SUN2-related conditions. An algorithm developed to predict the effect of missense changes on protein structure and function (PolyPhen-2) suggests that this variant is likely to be disruptive. In summary, the available evidence is currently insufficient to determine the role of this variant in disease. Therefore, it has been classified as a Variant of Uncertain Significance.